The following is an entry in ClinVar:

ClinVar aggregate classification (germline): Uncertain significance (1 of 4 stars; one submission).

Conditions:
Early-infantile DEE. Also called: Ohtahara syndrome; Early infantile epileptic encephalopathy; Early infantile epileptic encephalopathy with suppression bursts. Identifiers: Orphanet 1934, MedGen C0393706, MONDO:0800491.

Allele frequency attached by ClinVar (database versions not stated): TOPMed below 0.00001.

Submission:

Labcorp Genetics (formerly Invitae), Labcorp
Classification: Uncertain significance for Early-infantile DEE. Last evaluated: 2022-08-09. Review status: criteria provided, single submitter. Criteria: Invitae Variant Classification Sherloc (09022015). Collection method: clinical testing. Allele origin: germline.
Comment: This variant has not been reported in the literature in individuals affected with CACNA2D2-related conditions. This sequence change replaces glutamic acid, which is acidic and polar, with lysine, which is basic and polar, at codon 412 of the CACNA2D2 protein (p.Glu412Lys). This variant is not present in population databases (gnomAD no frequency). Algorithms developed to predict the effect of missense changes on protein structure and function are either unavailable or do not agree on the potential impact of this missense change (SIFT: "Deleterious"; PolyPhen-2: "Possibly Damaging"; Align-GVGD: "Class C0"). In summary, the available evidence is currently insufficient to determine the role of this variant in disease. Therefore, it has been classified as a Variant of Uncertain Significance.

NM_006030.4(CACNA2D2):c.1234G>A (p.Glu412Lys)

Gene: CACNA2D2 (calcium voltage-gated channel auxiliary subunit alpha2delta 2; minus strand). Cytogenetic location: 3p21.31.
Variant type: single nucleotide variant.
Coding change: c.1234G>A on transcript NM_006030.4 (MANE Select); coding-DNA position 1234, G replaced by A.
Protein change: p.Glu412Lys; replaces glutamic acid 412 with lysine.
Molecular consequence: missense variant.
Genome position (GRCh38, 1-based): chr3:50,379,118, C>T on the plus strand (G>A on the coding strand, the complement: CACNA2D2 is on the minus strand). VCF-style: chr3-50379118-C-T. GRCh37 (hg19) VCF-style: chr3-50416549-C-T.
Other names: c.1234G>A, p.Glu412Lys (NM_001005505.3, NM_001174051.3, NM_001410768.1); c.1027G>A, p.Glu343Lys (NM_001291101.1); short protein forms E412K, E343K.
Identifiers: ClinVar variation 1931721 (VCV001931721.5), dbSNP rs1166301984, ClinGen allele CA352932291.